The following is an entry in ClinVar:

ClinVar aggregate classification (germline): Uncertain significance (1 of 4 stars; one submission).

Submission:

Centre for Mendelian Genomics, University Medical Centre Ljubljana
Classification: Uncertain significance. Last evaluated: 2019-11-14. Review status: criteria provided, single submitter. Criteria: ACMG Guidelines, 2015. Collection method: clinical testing. Allele origin: unknown. Affected: yes.
Comment: This variant was classified as: Uncertain significance. The available evidence on this variant's pathogenicity is insufficient or conflicting. The following ACMG criteria were applied in classifying this variant: PM2.

NM_198390.3(CMIP):c.1035-1G>A

Gene: CMIP (c-Maf inducing protein; plus strand). Cytogenetic location: 16q23.3.
Variant type: single nucleotide variant.
Coding change: c.1035-1G>A on transcript NM_198390.3 (MANE Select); the canonical splice acceptor site of the intron before coding-DNA position 1035, G replaced by A.
Molecular consequence: splice acceptor variant.
Genome position (GRCh38, 1-based): chr16:81,678,274, G>A. VCF-style: chr16-81678274-G-A. GRCh37 (hg19) VCF-style: chr16-81711879-G-A.
Other names: c.753-1G>A (NM_030629.3).
Identifiers: ClinVar variation 931712 (VCV000931712.3), dbSNP rs1904474095, ClinGen allele CA396896875.